The following is an entry in ClinVar:

ClinVar aggregate classification (germline): Uncertain significance (1 of 4 stars; one submission).

Allele frequency attached by ClinVar (database versions not stated): gnomAD exomes 0.00001; TOPMed 0.00002; gnomAD 0.00003.

Submission:

Labcorp Genetics (formerly Invitae), Labcorp
Classification: Uncertain significance. Last evaluated: 2021-10-31. Review status: criteria provided, single submitter. Criteria: Invitae Variant Classification Sherloc (09022015). Collection method: clinical testing. Allele origin: germline.
Comment: This sequence change falls in intron 30 of the SBF1 gene. It does not directly change the encoded amino acid sequence of the SBF1 protein. It affects a nucleotide within the consensus splice site. This variant is not present in population databases (gnomAD no frequency). This variant has not been reported in the literature in individuals affected with SBF1-related conditions. Variants that disrupt the consensus splice site are a relatively common cause of aberrant splicing (PMID: 17576681, 9536098). Algorithms developed to predict the effect of sequence changes on RNA splicing suggest that this variant is not likely to affect RNA splicing. In summary, the available evidence is currently insufficient to determine the role of this variant in disease. Therefore, it has been classified as a Variant of Uncertain Significance.

Literature cited by the submitters: PubMed 17576681; PubMed 9536098.

NM_002972.4(SBF1):c.4086+6_4086+7del

Gene: SBF1 (SET binding factor 1; minus strand). Cytogenetic location: 22q13.33.
Variant type: Deletion.
Coding change: c.4086+6_4086+7del on transcript NM_002972.4 (MANE Select); bases 6 to 7 of the intron after coding-DNA position 4086, 2 bases deleted (TG; older notation c.4086+6_4086+7delTG).
Molecular consequence: intron variant.
Genome position (GRCh38, 1-based): chr22:50,456,485-50,456,486, CA deleted on the plus strand (TG on the coding strand, the reverse complement: SBF1 is on the minus strand). VCF-style (leftmost placement, unchanged base first): chr22-50456484-CCA-C. GRCh37 (hg19) VCF-style: chr22-50894913-CCA-C.
Other names: c.4011+6_4011+7del (NM_001365819.1).
Identifiers: ClinVar variation 1404683 (VCV001404683.3), dbSNP rs1325501598, ClinGen allele CA754055186.